The following is an entry in ClinVar:

NM_007194.4(CHEK2):c.1594A>T (p.Thr532Ser)

Gene: CHEK2 (checkpoint kinase 2; minus strand). Cytogenetic location: 22q12.1.
Variant type: single nucleotide variant.
Coding change: c.1594A>T on transcript NM_007194.4 (MANE Select); coding-DNA position 1594, A replaced by T.
Protein change: p.Thr532Ser; replaces threonine 532 with serine.
Molecular consequence: missense variant.
Genome position (GRCh38, 1-based): chr22:28,687,935, T>A on the plus strand (A>T on the coding strand, the complement: CHEK2 is on the minus strand). VCF-style: chr22-28687935-T-A. GRCh37 (hg19) VCF-style: chr22-29083923-T-A.
Other names: c.1723A>T, p.Thr575Ser (NM_001005735.3); c.931A>T, p.Thr311Ser (NM_001257387.3); c.1393A>T, p.Thr465Ser (NM_001349956.3); c.1507A>T, p.Thr503Ser (NM_145862.3); short protein forms T575S, T465S, T503S, T311S, T532S.
Identifiers: ClinVar variation 4002280 (VCV004002280.1).

ClinVar aggregate classification (germline): Uncertain significance (1 of 4 stars; one submission).

Conditions:
Hereditary cancer-predisposing syndrome. Also called: Tumor predisposition; Hereditary neoplastic syndrome; Neoplastic Syndromes, Hereditary; Hereditary Cancer Syndrome. Identifiers: Orphanet 140162, MedGen C0027672, MeSH D009386, MONDO:0015356.

Submission:

Ambry Genetics
Classification: Uncertain significance for Hereditary cancer-predisposing syndrome. Last evaluated: 2025-06-13. Review status: criteria provided, single submitter. Criteria: Ambry Variant Classification Scheme 2023. Collection method: clinical testing. Allele origin: germline.
Comment: The p.T532S variant (also known as c.1594A>T), located in coding exon 14 of the CHEK2 gene, results from an A to T substitution at nucleotide position 1594. The threonine at codon 532 is replaced by serine, an amino acid with similar properties. This amino acid position is conserved. In addition, this alteration is predicted to be tolerated by in silico analysis. Based on the available evidence, the clinical significance of this variant remains unclear.